The following is an entry in ClinVar:

ClinVar aggregate classification (germline): Uncertain significance (1 of 4 stars; one submission).

Allele frequency attached by ClinVar (database versions not stated): TOPMed below 0.00001; gnomAD exomes 0.00001.
gnomAD v4.1: 8 of 1,611,716 alleles (0.0005%); highest among the groups gnomAD compares: South Asian, 0.0011%; no homozygotes.

Submission:

Labcorp Genetics (formerly Invitae), Labcorp
Classification: Uncertain significance. Last evaluated: 2026-01-06. Review status: criteria provided, single submitter. Criteria: Invitae Variant Classification Sherloc (09022015). Collection method: clinical testing. Allele origin: germline.
Comment: This sequence change replaces methionine, which is neutral and non-polar, with valine, which is neutral and non-polar, at codon 53 of the GNAI3 protein (p.Met53Val). This variant is present in population databases (no rsID available, gnomAD 0.002%). This variant has not been reported in the literature in individuals affected with GNAI3-related conditions. ClinVar contains an entry for this variant (Variation ID: 1973080). Invitae Evidence Modeling of protein sequence and biophysical properties (such as structural, functional, and spatial information, amino acid conservation, physicochemical variation, residue mobility, and thermodynamic stability) indicates that this missense variant is not expected to disrupt GNAI3 protein function with a negative predictive value of 80%. Algorithms developed to predict the effect of sequence changes on RNA splicing suggest that this variant may disrupt the consensus splice site. In summary, the available evidence is currently insufficient to determine the role of this variant in disease. Therefore, it has been classified as a Variant of Uncertain Significance.

NM_006496.4(GNAI3):c.157A>G (p.Met53Val)

Gene: GNAI3 (G protein subunit alpha i3; plus strand). Cytogenetic location: 1p13.3.
Variant type: single nucleotide variant.
Coding change: c.157A>G on transcript NM_006496.4 (MANE Select); coding-DNA position 157, A replaced by G.
Protein change: p.Met53Val; replaces methionine 53 with valine.
Molecular consequence: missense variant.
Genome position (GRCh38, 1-based): chr1:109,573,775, A>G. VCF-style: chr1-109573775-A-G. GRCh37 (hg19) VCF-style: chr1-110116397-A-G.
Other names: short protein forms M53V.
Identifiers: ClinVar variation 1973080 (VCV001973080.5), dbSNP rs981945258, ClinGen allele CA28679272.
Genomic context (GRCh38, chr1:109,573,775, plus strand): 5'-GTCTGGTTTTCTTTTCTTACAGGTGCTGGAGAATCTGGTAAAAGCACCATTGTGAAACAG[A>G]TGAAGTAAGTTGGAATGTAGCGTTTTGTTAGACTAGGATTTCTCCTAATGCATATAAAGT-3'
Protein context (NP_006487.1, residues 43-63): ESGKSTIVKQ[Met53Val]KIIHEDGYSE